The following is an entry in ClinVar:

ClinVar aggregate classification (germline): Pathogenic/Likely pathogenic. Review status: criteria provided, multiple submitters, no conflicts (2 of 4 stars). 3 submissions from 3 submitters: Pathogenic (2); Likely pathogenic (1). Last evaluated 2025-02-07.

Conditions:
Hereditary cancer-predisposing syndrome. Also called: Neoplastic Syndromes, Hereditary; Hereditary neoplastic syndrome; Hereditary Cancer Syndrome; Tumor predisposition. Identifiers: Orphanet 140162, MedGen C0027672, MeSH D009386, MONDO:0015356.
Breast-ovarian cancer, familial, susceptibility to, 2 (BROVCA2). Also called: BRCA2 Hereditary Breast and Ovarian Cancer. Identifiers: Orphanet 145, MedGen C2675520, MONDO:0012933, OMIM 612555. Disease mechanism: loss of function.
Hereditary breast ovarian cancer syndrome. Also called: Hereditary breast and ovarian cancer; Hereditary breast and ovarian cancer syndrome; BRCA1- and BRCA2-Associated Hereditary Breast and Ovarian Cancer; Hereditary breast and/or ovarian cancer syndrome; Hereditary breast and ovarian cancer syndrome (HBOC); Breast and ovarian cancer. Identifiers: Orphanet 145, MedGen C0677776, MeSH D061325, MONDO:0003582. Disease mechanism: loss of function.

Allele frequency attached by ClinVar (database versions not stated): gnomAD exomes below 0.00001.
gnomAD v4.1: 6 of 1,611,422 alleles (0.00037%); highest among the groups gnomAD compares: Non-Finnish European, 0.00051%; no homozygotes.

Submissions (3):

Labcorp Genetics (formerly Invitae), Labcorp
Classification: Pathogenic for Hereditary breast ovarian cancer syndrome. Last evaluated: 2025-02-07. Review status: criteria provided, single submitter. Criteria: Invitae Variant Classification Sherloc (09022015). Collection method: clinical testing. Allele origin: germline.
Comment: This sequence change creates a premature translational stop signal (p.Tyr1749*) in the BRCA2 gene. It is expected to result in an absent or disrupted protein product. Loss-of-function variants in BRCA2 are known to be pathogenic (PMID: 20104584). This variant is not present in population databases (gnomAD no frequency). This variant has not been reported in the literature in individuals affected with BRCA2-related conditions. ClinVar contains an entry for this variant (Variation ID: 590883). For these reasons, this variant has been classified as Pathogenic.

Color Diagnostics, LLC DBA Color Health
Classification: Pathogenic for Hereditary cancer-predisposing syndrome. Last evaluated: 2020-05-19. Review status: criteria provided, single submitter. Criteria: ACMG Guidelines, 2015. Collection method: clinical testing. Allele origin: germline.
Comment: This variant changes 1 nucleotide in exon 11 of the BRCA2 gene, creating a premature translation stop signal. This variant is expected to result in an absent or non-functional protein product. This variant has been reported in an individual affected with ovarian cancer (PMID: 27208206). This variant has not been identified in the general population by the Genome Aggregation Database (gnomAD). Loss of BRCA2 function is a known mechanism of disease. Based on the available evidence, this variant is classified as Pathogenic.

Core Molecular Diagnostic Lab, McGill University Health Centre
Classification: Likely pathogenic for Breast-ovarian cancer, familial, susceptibility to, 2. Last evaluated: 2018-11-13. Review status: criteria provided, single submitter. Criteria: ACMG Guidelines, 2015. Collection method: clinical testing. Allele origin: germline. Inheritance: Autosomal dominant inheritance. Observed: 1 variant allele, 1 heterozygote.

Literature cited by the submitters: PubMed 20104584 (cited by Labcorp Genetics (formerly Invitae), Labcorp).

NM_000059.4(BRCA2):c.5247T>G (p.Tyr1749Ter)

Gene: BRCA2 (BRCA2 DNA repair associated; plus strand). Cytogenetic location: 13q13.1.
Variant type: single nucleotide variant.
Coding change: c.5247T>G on transcript NM_000059.4 (MANE Select); coding-DNA position 5247, T replaced by G.
Protein change: p.Tyr1749Ter; replaces tyrosine 1749 with a stop codon.
Molecular consequence: nonsense.
Genome position (GRCh38, 1-based): chr13:32,339,602, T>G. VCF-style: chr13-32339602-T-G. GRCh37 (hg19) VCF-style: chr13-32913739-T-G.
Other names: short protein forms Y1749*.
Identifiers: ClinVar variation 590883 (VCV000590883.6), dbSNP rs1566232050, ClinGen allele CA387784696.
Genomic context (GRCh38, chr13:32,339,602, plus strand): 5'-AAATCATCTCTCCGAAAAACAAGATACTTATTTAAGTAACAGTAGCATGTCTAACAGCTA[T>G]TCCTACCATTCTGATGAGGTATATAATGATTCAGGATATCTCTCAAAAAATAAACTTGAT-3'